The following is an entry in ClinVar:

ClinVar aggregate classification (germline): Pathogenic (1 of 4 stars; one submission).

Conditions:
Dihydropteridine reductase deficiency (HPABH4C). Also called: DHPR DEFICIENCY; BH4-Deficient Hyperphenylalaninemia C; HYPERPHENYLALANINEMIA, TETRAHYDROBIOPTERIN-DEFICIENT, DUE TO DHPR DEFICIENCY; QDPR DEFICIENCY; QUINOID DIHYDROPTERIDINE REDUCTASE DEFICIENCY; Phenylketonuria II. Identifiers: Orphanet 226, Orphanet 238583, MedGen C0268465, MONDO:0009862, OMIM 261630.

Submission:

Women's Health and Genetics/Laboratory Corporation of America, LabCorp
Classification: Pathogenic for Dihydropteridine reductase deficiency. Last evaluated: 2024-10-14. Review status: criteria provided, single submitter. Criteria: LabCorp Variant Classification Summary - May 2015. Collection method: clinical testing. Allele origin: germline.
Comment: Variant summary: QDPR c.73C>T (p.Arg25X) results in a premature termination codon, predicted to cause a truncation of the encoded protein or absence of the protein due to nonsense mediated decay, which are commonly known mechanisms for disease. The variant was absent in 237392 control chromosomes. To our knowledge, no occurrence of c.73C>T in individuals affected with Dihydropteridine Reductase Deficiency and no experimental evidence demonstrating its impact on protein function have been reported. No submitters have cited clinical-significance assessments for this variant to ClinVar. Based on the evidence outlined above, the variant was classified as pathogenic.

NM_000320.3(QDPR):c.73C>T (p.Arg25Ter)

Genes: QDPR (quinoid dihydropteridine reductase; minus strand), LOC129992304 (ATAC-STARR-seq lymphoblastoid silent region 15310; plus strand). Cytogenetic location: 4p15.32.
Variant type: single nucleotide variant.
Coding change: c.73C>T on transcript NM_000320.3 (MANE Select); coding-DNA position 73, C replaced by T.
Protein change: p.Arg25Ter; replaces arginine 25 with a stop codon.
Molecular consequence: nonsense. On other transcripts: non-coding transcript variant (1).
Genome position (GRCh38, 1-based): chr4:17,511,982, G>A on the plus strand (C>T on the coding strand, the complement: QDPR is on the minus strand). VCF-style: chr4-17511982-G-A. GRCh37 (hg19) VCF-style: chr4-17513605-G-A.
Other names: c.73C>T, p.Arg25Ter (NM_001306140.2); short protein forms R25*.
Identifiers: ClinVar variation 3384689 (VCV003384689.2).